The following is an entry in ClinVar:

NM_001267550.2(TTN):c.11311+1929A>C

Gene: TTN (titin; minus strand). Cytogenetic location: 2q31.2.
Variant type: single nucleotide variant.
Coding change: c.11311+1929A>C on transcript NM_001267550.2 (MANE Select); 1929 bases into the intron after coding-DNA position 11311, A replaced by C.
Molecular consequence: intron variant. On other transcripts: missense variant (1).
Genome position (GRCh38, 1-based): chr2:178,751,195, T>G on the plus strand (A>C on the coding strand, the complement: TTN is on the minus strand). VCF-style: chr2-178751195-T-G. GRCh37 (hg19) VCF-style: chr2-179615922-T-G.
Other names: c.11205A>C, p.Glu3735Asp (NM_133379.5); c.10222+1929A>C (NM_003319.4); c.10798+1929A>C (NM_133437.4); c.10597+1929A>C (NM_133432.3); c.10360+1929A>C (NM_133378.4, NM_001256850.1); short protein forms E3735D.
Identifiers: ClinVar variation 2651708 (VCV002651708.24), dbSNP rs1378473115, ClinGen allele CA349665060.

ClinVar aggregate classification (germline): Uncertain significance (1 of 4 stars; one submission).

Allele frequency attached by ClinVar (database versions not stated): TOPMed below 0.00001; gnomAD exomes 0.00001.
gnomAD v4.1: 10 of 1,610,626 alleles (0.00062%); highest among the groups gnomAD compares: South Asian, 0.0066%; no homozygotes.

Submission:

CeGaT Center for Human Genetics Tuebingen
Classification: Uncertain significance. Last evaluated: 2023-03-01. Review status: criteria provided, single submitter. Criteria: CeGaT Center For Human Genetics Tuebingen Variant Classification Criteria Version 2. Collection method: clinical testing. Allele origin: germline. Affected: yes. Observed: 1 variant allele.
Comment: TTN: PM2, BP4